The following is an entry in ClinVar:

ClinVar aggregate classification (germline): Likely benign. Review status: criteria provided, multiple submitters, no conflicts (2 of 4 stars). 3 submissions from 3 submitters: Likely benign (3). Last evaluated 2025-01-13.

Conditions:
Inborn genetic diseases. Identifiers: MedGen C0950123, MeSH D030342.
Kostmann syndrome (SCN3). Also called: Autosomal recessive severe congenital neutropenia type 3; KOSTMANN DISEASE. Identifiers: Orphanet 99749, MedGen C5235141, MONDO:0012548, OMIM 610738.

Allele frequency attached by ClinVar (database versions not stated): gnomAD exomes below 0.00001; gnomAD 0.00001; TOPMed 0.00003.
gnomAD v4.1: 4 of 1,614,112 alleles (0.00025%); highest among the groups gnomAD compares: African/African-American, 0.004%; no homozygotes.

Submissions (3):

Ambry Genetics
Classification: Likely benign for Inborn genetic diseases. Last evaluated: 2025-01-13. Review status: criteria provided, single submitter. Criteria: Ambry Variant Classification Scheme 2023. Collection method: clinical testing. Allele origin: germline.

Labcorp Genetics (formerly Invitae), Labcorp
Classification: Likely benign for Kostmann syndrome. Last evaluated: 2024-12-30. Review status: criteria provided, single submitter. Criteria: Invitae Variant Classification Sherloc (09022015). Collection method: clinical testing. Allele origin: germline.

GeneDx
Classification: Likely benign. Last evaluated: 2015-11-18. Review status: criteria provided, single submitter. Criteria: GeneDx Variant Classification (06012015). Collection method: clinical testing. Allele origin: germline. Affected: yes.
Comment: This variant is considered likely benign or benign based on one or more of the following criteria: it is a conservative change, it occurs at a poorly conserved position in the protein, it is predicted to be benign by multiple in silico algorithms, and/or has population frequency not consistent with disease.

NM_006118.4(HAX1):c.180A>G (p.Glu60=)

Gene: HAX1 (HCLS1 associated protein X-1; plus strand). Cytogenetic location: 1q21.3.
Variant type: single nucleotide variant.
Coding change: c.180A>G on transcript NM_006118.4 (MANE Select); coding-DNA position 180, A replaced by G.
Protein change: p.Glu60=; no amino-acid change (glutamic acid 60 retained).
Molecular consequence: synonymous variant. On other transcripts: intron variant (1).
Genome position (GRCh38, 1-based): chr1:154,273,462, A>G. VCF-style: chr1-154273462-A-G. GRCh37 (hg19) VCF-style: chr1-154245938-A-G.
Other names: c.54-18A>G (NM_001018837.2).
Identifiers: ClinVar variation 381872 (VCV000381872.10), dbSNP rs950658160, ClinGen allele CA16603407.